The following is an entry in ClinVar:

ClinVar aggregate classification (germline): Uncertain significance. Review status: criteria provided, multiple submitters, no conflicts (2 of 4 stars). 4 submissions from 4 submitters: Uncertain significance (4). Last evaluated 2023-04-11.

Conditions:
Osteogenesis imperfecta type 8 (OI8). Identifiers: MedGen C1970458, MONDO:0012581, OMIM 610915.
Inborn genetic diseases. Identifiers: MedGen C0950123, MeSH D030342.

Allele frequency attached by ClinVar (database versions not stated): gnomAD 0.00001; gnomAD exomes 0.00001; ExAC 0.00002; TOPMed 0.00002.
gnomAD v4.1: 77 of 1,614,018 alleles (0.0048%); highest among the groups gnomAD compares: Non-Finnish European, 0.0063%; no homozygotes.

Submissions (4):

Genome-Nilou Lab
Classification: Uncertain significance for Osteogenesis imperfecta type 8. Last evaluated: 2023-04-11. Review status: criteria provided, single submitter. Criteria: ACMG Guidelines, 2015. Collection method: clinical testing. Allele origin: germline. Affected: no.

Ambry Genetics
Classification: Uncertain significance for Inborn genetic diseases. Last evaluated: 2021-10-06. Review status: criteria provided, single submitter. Criteria: Ambry Variant Classification Scheme 2023. Collection method: clinical testing. Allele origin: germline.

Labcorp Genetics (formerly Invitae), Labcorp
Classification: Uncertain significance for Osteogenesis imperfecta type 8. Last evaluated: 2021-08-24. Review status: criteria provided, single submitter. Criteria: Invitae Variant Classification Sherloc (09022015). Collection method: clinical testing. Allele origin: germline.
Comment: This sequence change replaces leucine with valine at codon 276 of the P3H1 protein (p.Leu276Val). The leucine residue is highly conserved and there is a small physicochemical difference between leucine and valine. This variant is present in population databases (rs757498418, ExAC 0.003%). This variant has not been reported in the literature in individuals affected with P3H1-related conditions. ClinVar contains an entry for this variant (Variation ID: 873725). Algorithms developed to predict the effect of missense changes on protein structure and function are either unavailable or do not agree on the potential impact of this missense change (SIFT: "Deleterious"; PolyPhen-2: "Possibly Damaging"; Align-GVGD: "Class C0"). In summary, the available evidence is currently insufficient to determine the role of this variant in disease. Therefore, it has been classified as a Variant of Uncertain Significance.

Illumina Laboratory Services, Illumina
Classification: Uncertain significance for Osteogenesis imperfecta type 8. Last evaluated: 2018-01-12. Review status: criteria provided, single submitter. Criteria: ICSL Variant Classification Criteria 13 December 2019. Collection method: clinical testing. Allele origin: germline.

NM_022356.4(P3H1):c.826C>G (p.Leu276Val)

Gene: P3H1 (prolyl 3-hydroxylase 1; minus strand). Cytogenetic location: 1p34.2.
Variant type: single nucleotide variant.
Coding change: c.826C>G on transcript NM_022356.4 (MANE Select); coding-DNA position 826, C replaced by G.
Protein change: p.Leu276Val; replaces leucine 276 with valine.
Molecular consequence: missense variant.
Genome position (GRCh38, 1-based): chr1:42,758,966, G>C on the plus strand (C>G on the coding strand, the complement: P3H1 is on the minus strand). VCF-style: chr1-42758966-G-C. GRCh37 (hg19) VCF-style: chr1-43224637-G-C.
Other names: c.826C>G, p.Leu276Val (NM_001146289.2, NM_001243246.2); short protein forms L276V.
Identifiers: ClinVar variation 873725 (VCV000873725.10), dbSNP rs757498418, ClinGen allele CA802053.